The following is an entry in ClinVar:

NM_016579.4(CD320):c.356G>T (p.Gly119Val)

Gene: CD320 (CD320 molecule; minus strand). Cytogenetic location: 19p13.2.
Variant type: single nucleotide variant.
Coding change: c.356G>T on transcript NM_016579.4 (MANE Select); coding-DNA position 356, G replaced by T.
Protein change: p.Gly119Val; replaces glycine 119 with valine.
Molecular consequence: missense variant.
Genome position (GRCh38, 1-based): chr19:8,304,001, C>A on the plus strand (G>T on the coding strand, the complement: CD320 is on the minus strand). VCF-style: chr19-8304001-C-A. GRCh37 (hg19) VCF-style: chr19-8368885-C-A.
Other names: c.230G>T, p.Gly77Val (NM_001165895.2); short protein forms G119V, G77V.
Identifiers: ClinVar variation 2777579 (VCV002777579.3), dbSNP rs1003366693, ClinGen allele CA403713145.

ClinVar aggregate classification (germline): Uncertain significance (1 of 4 stars; one submission).

Conditions:
Methylmalonic acidemia due to transcobalamin receptor defect (MATR). Also called: METHYLMALONIC ACIDURIA, TRANSIENT, DUE TO TRANSCOBALAMIN RECEPTOR DEFECT; METHYLMALONIC ACIDEMIA, TCblR TYPE. Identifiers: Orphanet 280183, MedGen C4749905, MONDO:0013341, OMIM 613646.

gnomAD v4.1: 3 of 1,570,212 alleles (0.00019%); highest among the groups gnomAD compares: Non-Finnish European, 0.00026%; no homozygotes.

Submission:

Labcorp Genetics (formerly Invitae), Labcorp
Classification: Uncertain significance for Methylmalonic acidemia due to transcobalamin receptor defect. Last evaluated: 2025-04-14. Review status: criteria provided, single submitter. Criteria: Invitae Variant Classification Sherloc (09022015). Collection method: clinical testing. Allele origin: germline.
Comment: This sequence change replaces glycine, which is neutral and non-polar, with valine, which is neutral and non-polar, at codon 119 of the CD320 protein (p.Gly119Val). This variant is not present in population databases (gnomAD no frequency). This variant has not been reported in the literature in individuals affected with CD320-related conditions. ClinVar contains an entry for this variant (Variation ID: 2777579). An algorithm developed to predict the effect of missense changes on protein structure and function (PolyPhen-2) suggests that this variant is likely to be tolerated. In summary, the available evidence is currently insufficient to determine the role of this variant in disease. Therefore, it has been classified as a Variant of Uncertain Significance.